The following is an entry in ClinVar:

NM_003482.4(KMT2D):c.4727A>G (p.Lys1576Arg)

Gene: KMT2D (lysine methyltransferase 2D; minus strand). Cytogenetic location: 12q13.12.
Variant type: single nucleotide variant.
Coding change: c.4727A>G on transcript NM_003482.4 (MANE Select); coding-DNA position 4727, A replaced by G.
Protein change: p.Lys1576Arg; replaces lysine 1576 with arginine.
Molecular consequence: missense variant.
Genome position (GRCh38, 1-based): chr12:49,045,934, T>C on the plus strand (A>G on the coding strand, the complement: KMT2D is on the minus strand). VCF-style: chr12-49045934-T-C. GRCh37 (hg19) VCF-style: chr12-49439717-T-C.
Other names: short protein forms K1576R.
Identifiers: ClinVar variation 1030673 (VCV001030673.1), dbSNP rs1943763073, ClinGen allele CA384643773.

ClinVar aggregate classification (germline): Uncertain significance (1 of 4 stars; one submission).

Conditions:
Kabuki syndrome 1 (KABUK1). Also called: KMT2D-Related Kabuki Syndrome. Identifiers: Orphanet 2322, MedGen CN030661, MONDO:0007843, OMIM 147920.

Submission:

Baylor Genetics
Classification: Uncertain significance for Kabuki syndrome 1. Last evaluated: 2019-06-13. Review status: criteria provided, single submitter. Criteria: ACMG Guidelines, 2015. Collection method: clinical testing. Allele origin: unknown. Affected: yes.
Comment: This variant was determined to be of uncertain significance according to ACMG Guidelines, 2015 [PMID:25741868].